The following is an entry in ClinVar:

ClinVar aggregate classification (germline): Likely benign. Review status: criteria provided, single submitter (1 of 4 stars). 2 submissions from 2 submitters: Likely benign (1). 1 of the submissions does not count toward it. Last evaluated 2025-05-11.

Conditions:
SOD1-related disorder. Also called: SOD1-related condition.
Amyotrophic lateral sclerosis type 1 (ALS1). Also called: AMYOTROPHIC LATERAL SCLEROSIS 1, FAMILIAL. Identifiers: Orphanet 803, MedGen C1862939, MONDO:0007103, OMIM 105400.

Submissions (2):

Labcorp Genetics (formerly Invitae), Labcorp
Classification: Likely benign for Amyotrophic lateral sclerosis type 1. Last evaluated: 2025-05-11. Review status: criteria provided, single submitter. Criteria: Invitae Variant Classification Sherloc (09022015). Collection method: clinical testing. Allele origin: germline.

PreventionGenetics, part of Exact Sciences
Classification: Likely benign for SOD1-related condition. Last evaluated: 2019-09-03. Review status: no assertion criteria provided. Collection method: clinical testing. Allele origin: germline. Not counted in ClinVar's aggregate classification.
Comment: This variant is classified as likely benign based on ACMG/AMP sequence variant interpretation guidelines (Richards et al. 2015 PMID: 25741868, with internal and published modifications).

NM_000454.5(SOD1):c.170-19TTC[2]

Gene: SOD1 (superoxide dismutase 1; plus strand). Cytogenetic location: 21q22.11.
Variant type: Microsatellite.
Coding change: c.170-19TTC[2] on transcript NM_000454.5 (MANE Select); two copies in a row of the 3-base unit TTC starting at c.170-19.
Molecular consequence: intron variant.
Genome position: GRCh38 VCF-style: chr21-31666429-TTTC-T. GRCh37 (hg19) VCF-style: chr21-33038742-TTTC-T.
Other names: c.170-11_170-9delCTT (NM_000454.4).
Identifiers: ClinVar variation 2050740 (VCV002050740.6), dbSNP rs781696162, ClinGen allele CA9998912.